The following is an entry in ClinVar:

ClinVar aggregate classification (germline): Uncertain significance (1 of 4 stars; one submission).

Conditions:
Catecholaminergic polymorphic ventricular tachycardia 1. Also called: VENTRICULAR TACHYCARDIA, STRESS-INDUCED POLYMORPHIC 1; RYR2-Related Catecholaminergic Polymorphic Ventricular Tachycardia; VENTRICULAR TACHYCARDIA, CATECHOLAMINERGIC POLYMORPHIC, 1, WITH OR WITHOUT ATRIAL DYSFUNCTION AND/OR DILATED CARDIOMYOPATHY. Identifiers: Orphanet 3286, MedGen C1631597, MONDO:0011484, OMIM 604772.

Submission:

Labcorp Genetics (formerly Invitae), Labcorp
Classification: Uncertain significance for Catecholaminergic polymorphic ventricular tachycardia 1. Last evaluated: 2025-11-05. Review status: criteria provided, single submitter. Criteria: Invitae Variant Classification Sherloc (09022015). Collection method: clinical testing. Allele origin: germline.
Comment: This sequence change replaces lysine, which is basic and polar, with glutamic acid, which is acidic and polar, at codon 1475 of the RYR2 protein (p.Lys1475Glu). This variant is not present in population databases (gnomAD no frequency). This variant has not been reported in the literature in individuals affected with RYR2-related conditions. Invitae Evidence Modeling of protein sequence and biophysical properties (such as structural, functional, and spatial information, amino acid conservation, physicochemical variation, residue mobility, and thermodynamic stability) indicates that this missense variant is not expected to disrupt RYR2 protein function with a negative predictive value of 95%. In summary, the available evidence is currently insufficient to determine the role of this variant in disease. Therefore, it has been classified as a Variant of Uncertain Significance.

NM_001035.3(RYR2):c.4423A>G (p.Lys1475Glu)

Gene: RYR2 (ryanodine receptor 2; plus strand). Cytogenetic location: 1q43.
Variant type: single nucleotide variant.
Coding change: c.4423A>G on transcript NM_001035.3 (MANE Select); coding-DNA position 4423, A replaced by G.
Protein change: p.Lys1475Glu; replaces lysine 1475 with glutamic acid.
Molecular consequence: missense variant.
Genome position (GRCh38, 1-based): chr1:237,593,623, A>G. VCF-style: chr1-237593623-A-G. GRCh37 (hg19) VCF-style: chr1-237756923-A-G.
Other names: short protein forms K1475E.
Identifiers: ClinVar variation 4800072 (VCV004800072.1).